The following is an entry in ClinVar:

NM_001378778.1(MPDZ):c.145C>G (p.Leu49Val)

Gene: MPDZ (multiple PDZ domain crumbs cell polarity complex component; minus strand). Cytogenetic location: 9p23.
Variant type: single nucleotide variant.
Coding change: c.145C>G on transcript NM_001378778.1 (MANE Select); coding-DNA position 145, C replaced by G.
Protein change: p.Leu49Val; replaces leucine 49 with valine.
Molecular consequence: missense variant.
Genome position (GRCh38, 1-based): chr9:13,247,673, G>C on the plus strand (C>G on the coding strand, the complement: MPDZ is on the minus strand). VCF-style: chr9-13247673-G-C. GRCh37 (hg19) VCF-style: chr9-13247672-G-C.
Other names: c.145C>G, p.Leu49Val (NM_001261406.2, NM_001261407.2, NM_001330637.2 and 14 more transcripts); short protein forms L49V.
Identifiers: ClinVar variation 1428322 (VCV001428322.3), dbSNP rs144481155, ClinGen allele CA4988230.
Genomic context (GRCh38, chr9:13,247,673, plus strand): 5'-GCTTGGGTGAATGATGTCCTACCTGGTCTTTCAGCTGCTGTACAGAAGTCTGAAGGCTCA[G>C]AATCTGACTGAAGAGAGGGCTCTGCAGGACTGACTTCAGAAGGCTCAGTTTGTCTTCATT-3'
Protein context (NP_001365707.1, residues 39-59): VLQSPLFSQI[Leu49Val]SLQTSVQQLK

ClinVar aggregate classification (germline): Uncertain significance (1 of 4 stars; one submission).

Allele frequency attached by ClinVar (database versions not stated): ESP Exome Variant Server 0.00008.
gnomAD v4.1: 36 of 1,613,534 alleles (0.0022%); highest among the groups gnomAD compares: African/African-American, 0.045%; no homozygotes.

Submission:

Labcorp Genetics (formerly Invitae), Labcorp
Classification: Uncertain significance. Last evaluated: 2022-07-06. Review status: criteria provided, single submitter. Criteria: Invitae Variant Classification Sherloc (09022015). Collection method: clinical testing. Allele origin: germline.
Comment: This sequence change replaces leucine, which is neutral and non-polar, with valine, which is neutral and non-polar, at codon 49 of the MPDZ protein (p.Leu49Val). This variant is present in population databases (rs144481155, gnomAD 0.04%). This variant has not been reported in the literature in individuals affected with MPDZ-related conditions. ClinVar contains an entry for this variant (Variation ID: 1428322). Algorithms developed to predict the effect of missense changes on protein structure and function (SIFT, PolyPhen-2, Align-GVGD) all suggest that this variant is likely to be disruptive. Algorithms developed to predict the effect of sequence changes on RNA splicing suggest that this variant may create or strengthen a splice site. In summary, the available evidence is currently insufficient to determine the role of this variant in disease. Therefore, it has been classified as a Variant of Uncertain Significance.